The following is an entry in ClinVar:

NM_199420.4(POLQ):c.679G>A (p.Gly227Arg)

Gene: POLQ (DNA polymerase theta; minus strand). Cytogenetic location: 3q13.33.
Variant type: single nucleotide variant.
Coding change: c.679G>A on transcript NM_199420.4 (MANE Select); coding-DNA position 679, G replaced by A.
Protein change: p.Gly227Arg; replaces glycine 227 with arginine.
Molecular consequence: missense variant.
Genome position (GRCh38, 1-based): chr3:121,537,161, C>T on the plus strand (G>A on the coding strand, the complement: POLQ is on the minus strand). VCF-style: chr3-121537161-C-T. GRCh37 (hg19) VCF-style: chr3-121256008-C-T.
Other names: short protein forms G227R.
Identifiers: ClinVar variation 1755492 (VCV001755492.2), dbSNP rs199726080, ClinGen allele CA81834373.

ClinVar aggregate classification (germline): Uncertain significance (1 of 4 stars; one submission).

Allele frequency attached by ClinVar (database versions not stated): gnomAD exomes below 0.00001; TOPMed below 0.00001.
gnomAD v4.1: 3 of 1,607,850 alleles (0.00019%); highest among the groups gnomAD compares: Non-Finnish European, 0.00026%; no homozygotes.

Submission:

Ambry Genetics
Classification: Uncertain significance. Last evaluated: 2023-11-11. Review status: criteria provided, single submitter. Criteria: Ambry Variant Classification Scheme 2023. Collection method: clinical testing. Allele origin: germline.
Comment: The p.G227R variant (also known as c.679G>A), located in coding exon 5 of the POLQ gene, results from a G to A substitution at nucleotide position 679. The glycine at codon 227 is replaced by arginine, an amino acid with dissimilar properties. This amino acid position is conserved. In addition, the in silico prediction for this alteration is inconclusive. Since supporting evidence is limited at this time, the clinical significance of this alteration remains unclear.